The following is an entry in ClinVar:

ClinVar aggregate classification (germline): Uncertain significance (1 of 4 stars; one submission).

Conditions:
Carnitine palmitoyl transferase 1A deficiency. Also called: CPT deficiency, hepatic, type IA; Carnitine palmitoyltransferase 1A deficiency; Carnitine palmitoyltransferase type I deficiency; CPT I DEFICIENCY; CPT DEFICIENCY, HEPATIC, TYPE I. Identifiers: Orphanet 156, MedGen C1829703, MONDO:0009705, OMIM 255120.

Submission:

Centre for Mendelian Genomics, University Medical Centre Ljubljana
Classification: Uncertain significance for Carnitine palmitoyl transferase 1A deficiency. Last evaluated: 2020-03-20. Review status: criteria provided, single submitter. Criteria: ACMG Guidelines, 2015. Collection method: clinical testing. Allele origin: unknown. Affected: yes.
Comment: This variant was classified as: Uncertain significance. The available evidence on this variant's pathogenicity is insufficient or conflicting. The following ACMG criteria were applied in classifying this variant: PM2.

NM_001876.4(CPT1A):c.1528C>T (p.Pro510Ser)

Gene: CPT1A (carnitine palmitoyltransferase 1A; minus strand). Cytogenetic location: 11q13.3.
Variant type: single nucleotide variant.
Coding change: c.1528C>T on transcript NM_001876.4 (MANE Select); coding-DNA position 1528, C replaced by T.
Protein change: p.Pro510Ser; replaces proline 510 with serine.
Molecular consequence: missense variant.
Genome position (GRCh38, 1-based): chr11:68,775,363, G>A on the plus strand (C>T on the coding strand, the complement: CPT1A is on the minus strand). VCF-style: chr11-68775363-G-A. GRCh37 (hg19) VCF-style: chr11-68542831-G-A.
Other names: c.1528C>T, p.Pro510Ser (NM_001031847.3); short protein forms P510S.
Identifiers: ClinVar variation 931295 (VCV000931295.3), dbSNP rs1279443212, ClinGen allele CA381629789.
Genomic context (GRCh38, chr11:68,775,363, plus strand): 5'-AATCCGGACTTACTTCCCCCGGGATGTCCCACTGCAGCCTGGTGGGGTACGGAATGTTCG[G>A]ATTGATGTCGCCTTTGCAGTGCCCATCCTCCGCATAGCCCAGCTGGAGGCTGTCAATGGA-3'
Protein context (NP_001867.2, residues 500-520): EDGHCKGDIN[Pro510Ser]NIPYPTRLQW